The following is an entry in ClinVar:

ClinVar aggregate classification (germline): Likely pathogenic (1 of 4 stars; one submission).

Conditions:
Developmental and epileptic encephalopathy, 47 (DEE47). Also called: Epileptic encephalopathy, early infantile, 47. Identifiers: MedGen C4310685, MONDO:0014949, OMIM 617166.

Submission:

Institute of Medical Genetics and Genomics, Sir Ganga Ram Hospital
Classification: Likely pathogenic for Developmental and epileptic encephalopathy, 47. Last evaluated: 2023-10-19. Review status: criteria provided, single submitter. Criteria: ACMG Guidelines, 2015. Collection method: clinical testing. Allele origin: de novo. Inheritance: Autosomal dominant inheritance. Affected: yes. Observed: 1 heterozygote.
Comment: MRI brain normal, EEG is abnormal. This nucleotide change is absent from gnomAD database [PM2]. In-silico predictions predict a deleterious nature of this variant, REVEL score: 0.85 [PP3]. Upon familial segregation, it was found to be a de-novo variant. Based on the available evidence and the confirmed denovo status [PS2], this variant is classified as "Likely Pathogenic".

Literature cited by the submitters: PubMed 34020858.

NM_004113.6(FGF12):c.341G>A (p.Gly114Glu)

Gene: FGF12 (fibroblast growth factor 12; minus strand). Cytogenetic location: 3q28.
Variant type: single nucleotide variant.
Coding change: c.341G>A on transcript NM_004113.6 (MANE Select); coding-DNA position 341, G replaced by A.
Protein change: p.Gly114Glu; replaces glycine 114 with glutamic acid.
Molecular consequence: missense variant.
Genome position (GRCh38, 1-based): chr3:192,170,544, C>T on the plus strand (G>A on the coding strand, the complement: FGF12 is on the minus strand). VCF-style: chr3-192170544-C-T. GRCh37 (hg19) VCF-style: chr3-191888333-C-T.
Other names: c.230G>A, p.Gly77Glu (NM_001377292.1); c.269G>A, p.Gly90Glu (NM_001377293.1, NM_001377294.1); c.527G>A, p.Gly176Glu (NM_021032.5); short protein forms G114E, G176E, G77E, G90E.
Identifiers: ClinVar variation 2584544 (VCV002584544.1), dbSNP rs2473964114, ClinGen allele CA355866033.
Genomic context (GRCh38, chr3:192,170,544, plus strand): 5'-GATGAGGGCTTGGTTTTCTTCACTCTGTTCCCCTTCATAATTTGACCTTCTTTATTGAGT[C>T]CCAGAAACCAAGCTCGGCCTGATTCTTGCTGGCGGTACAGTGTGGAAGAATAGATCACAT-3'
Protein context (NP_004104.3, residues 104-124): QQESGRAWFL[Gly114Glu]LNKEGQIMKG